The following is an entry in ClinVar:

ClinVar aggregate classification (germline): Uncertain significance (1 of 4 stars; one submission).

Conditions:
Autoimmune lymphoproliferative syndrome type 1. Also called: AUTOIMMUNE LYMPHOPROLIFERATIVE SYNDROME, TYPE I, AUTOSOMAL DOMINANT. Identifiers: Orphanet 3261, MedGen C2717884, MONDO:0011158, OMIM 601859.

Allele frequency attached by ClinVar (database versions not stated): gnomAD exomes below 0.00001 and 0.00002; TOPMed 0.00002; gnomAD 0.00003.
gnomAD v4.1: 27 of 1,614,036 alleles (0.0017%); highest among the groups gnomAD compares: Non-Finnish European, 0.0022%; no homozygotes.

Submission:

Labcorp Genetics (formerly Invitae), Labcorp
Classification: Uncertain significance for Autoimmune lymphoproliferative syndrome. Last evaluated: 2025-06-19. Review status: criteria provided, single submitter. Criteria: Invitae Variant Classification Sherloc (09022015). Collection method: clinical testing. Allele origin: germline.
Comment: This sequence change replaces lysine, which is basic and polar, with glutamic acid, which is acidic and polar, at codon 33 of the FAS protein (p.Lys33Glu). This variant is present in population databases (rs55766344, gnomAD 0.002%). This variant has not been reported in the literature in individuals affected with FAS-related conditions. ClinVar contains an entry for this variant (Variation ID: 1040507). An algorithm developed to predict the effect of missense changes on protein structure and function outputs the following: PolyPhen-2: "Benign". The glutamic acid amino acid residue is found in multiple mammalian species, which suggests that this missense change does not adversely affect protein function. In summary, the available evidence is currently insufficient to determine the role of this variant in disease. Therefore, it has been classified as a Variant of Uncertain Significance.

NM_000043.6(FAS):c.97A>G (p.Lys33Glu)

Gene: FAS (Fas cell surface death receptor; plus strand). Cytogenetic location: 10q23.31.
Variant type: single nucleotide variant.
Coding change: c.97A>G on transcript NM_000043.6 (MANE Select); coding-DNA position 97, A replaced by G.
Protein change: p.Lys33Glu; replaces lysine 33 with glutamic acid.
Molecular consequence: missense variant. On other transcripts: non-coding transcript variant (7).
Genome position (GRCh38, 1-based): chr10:89,003,095, A>G. VCF-style: chr10-89003095-A-G. GRCh37 (hg19) VCF-style: chr10-90762852-A-G.
Other names: c.97A>G, p.Lys33Glu (NM_001320619.2, NM_152871.4, NM_152872.4); short protein forms K33E.
Identifiers: ClinVar variation 1040507 (VCV001040507.10), dbSNP rs55766344, ClinGen allele CA211325393.